The following is an entry in ClinVar:

ClinVar aggregate classification (germline): Uncertain significance (1 of 4 stars; one submission).

Conditions:
Primary ciliary dyskinesia. Also called: Ciliary dyskinesia. Identifiers: Orphanet 244, MedGen C0008780, MONDO:0016575, HP:0012265.

gnomAD v4.1: 4 of 1,569,412 alleles (0.00025%); highest among the groups gnomAD compares: Non-Finnish European, 0.00035%; no homozygotes.

Submission:

Labcorp Genetics (formerly Invitae), Labcorp
Classification: Uncertain significance for Primary ciliary dyskinesia. Last evaluated: 2022-08-21. Review status: criteria provided, single submitter. Criteria: Invitae Variant Classification Sherloc (09022015). Collection method: clinical testing. Allele origin: germline.
Comment: This sequence change replaces serine, which is neutral and polar, with asparagine, which is neutral and polar, at codon 625 of the CCDC39 protein (p.Ser625Asn). This variant also falls at the last nucleotide of exon 13, which is part of the consensus splice site for this exon. This variant is present in population databases (no rsID available, gnomAD 0.0009%). This variant has not been reported in the literature in individuals affected with CCDC39-related conditions. Algorithms developed to predict the effect of missense changes on protein structure and function (SIFT, PolyPhen-2, Align-GVGD) all suggest that this variant is likely to be tolerated. Variants that disrupt the consensus splice site are a relatively common cause of aberrant splicing (PMID: 17576681, 9536098). Algorithms developed to predict the effect of sequence changes on RNA splicing suggest that this variant may disrupt the consensus splice site. This variant disrupts the c.1874G nucleotide in the CCDC39 gene. Other variant(s) that disrupt this nucleotide have been determined to be pathogenic (Invitae). This suggests that this nucleotide is clinically significant, and that variants that disrupt this position are likely to be disease-causing. In summary, the available evidence is currently insufficient to determine the role of this variant in disease. Therefore, it has been classified as a Variant of Uncertain Significance.

Literature cited by the submitters: PubMed 17576681; PubMed 9536098.

NM_181426.2(CCDC39):c.1874G>A (p.Ser625Asn)

Gene: CCDC39 (coiled-coil domain 39 molecular ruler complex subunit; minus strand). Cytogenetic location: 3q26.33.
Variant type: single nucleotide variant.
Coding change: c.1874G>A on transcript NM_181426.2 (MANE Select); coding-DNA position 1874, G replaced by A.
Protein change: p.Ser625Asn; replaces serine 625 with asparagine.
Molecular consequence: missense variant.
Genome position (GRCh38, 1-based): chr3:180,641,993, C>T on the plus strand (G>A on the coding strand, the complement: CCDC39 is on the minus strand). VCF-style: chr3-180641993-C-T. GRCh37 (hg19) VCF-style: chr3-180359781-C-T.
Other names: short protein forms S625N.
Identifiers: ClinVar variation 1963141 (VCV001963141.5), dbSNP rs769223754, ClinGen allele CA355308805.